The following is an entry in ClinVar:

ClinVar aggregate classification (germline): Uncertain significance. Review status: criteria provided, multiple submitters, no conflicts (2 of 4 stars). 4 submissions from 4 submitters: Uncertain significance (3). 1 of the submissions does not count toward it. Last evaluated 2026-06-24.

Conditions:
Hereditary cancer-predisposing syndrome. Also called: Neoplastic Syndromes, Hereditary; Hereditary neoplastic syndrome; Hereditary Cancer Syndrome; Tumor predisposition. Identifiers: Orphanet 140162, MedGen C0027672, MeSH D009386, MONDO:0015356.
Fumarase deficiency (FMRD). Also called: Fumarate Hydratase Deficiency; Fumaric aciduria. Identifiers: Orphanet 24, MedGen C0342770, MONDO:0011730, OMIM 606812.

Allele frequency attached by ClinVar (database versions not stated): gnomAD exomes below 0.00001; TOPMed 0.00001.
gnomAD v4.1: 6 of 1,613,924 alleles (0.00037%); highest among the groups gnomAD compares: Non-Finnish European, 0.00051%; no homozygotes.

Submissions (4):

Ambry Genetics
Classification: Uncertain significance for Hereditary cancer-predisposing syndrome. Last evaluated: 2026-06-24. Review status: criteria provided, single submitter. Criteria: Ambry Variant Classification Scheme 2023. Collection method: clinical testing. Allele origin: germline.

Labcorp Genetics (formerly Invitae), Labcorp
Classification: Uncertain significance. Last evaluated: 2025-12-17. Review status: criteria provided, single submitter. Criteria: Invitae Variant Classification Sherloc (09022015). Collection method: clinical testing. Allele origin: germline.
Comment: This sequence change replaces isoleucine, which is neutral and non-polar, with threonine, which is neutral and polar, at codon 231 of the FH protein (p.Ile231Thr). This variant is not present in population databases (gnomAD no frequency). This variant has not been reported in the literature in individuals affected with FH-related conditions. ClinVar contains an entry for this variant (Variation ID: 485566). Invitae Evidence Modeling of protein sequence and biophysical properties (such as structural, functional, and spatial information, amino acid conservation, physicochemical variation, residue mobility, and thermodynamic stability) has been performed for this missense variant. However, the output from this modeling did not meet the statistical confidence thresholds required to predict the impact of this variant on FH protein function. In summary, the available evidence is currently insufficient to determine the role of this variant in disease. Therefore, it has been classified as a Variant of Uncertain Significance.

GeneDx
Classification: Uncertain significance. Last evaluated: 2021-03-02. Review status: criteria provided, single submitter. Criteria: GeneDx Variant Classification Process June 2021. Collection method: clinical testing. Allele origin: germline. Affected: yes.
Comment: Not observed in large population cohorts (Lek 2016); In silico analysis supports that this missense variant has a deleterious effect on protein structure/function; Has not been previously published as pathogenic or benign to our knowledge

Natera, Inc.
Classification: Uncertain significance for Fumarase deficiency. Last evaluated: 2020-09-16. Review status: no assertion criteria provided. Collection method: clinical testing. Allele origin: germline. Not counted in ClinVar's aggregate classification.

NM_000143.4(FH):c.692T>C (p.Ile231Thr)

Gene: FH (fumarate hydratase; minus strand). Cytogenetic location: 1q43.
Variant type: single nucleotide variant.
Coding change: c.692T>C on transcript NM_000143.4 (MANE Select); coding-DNA position 692, T replaced by C.
Protein change: p.Ile231Thr; replaces isoleucine 231 with threonine.
Molecular consequence: missense variant.
Genome position (GRCh38, 1-based): chr1:241,508,649, A>G on the plus strand (T>C on the coding strand, the complement: FH is on the minus strand). VCF-style: chr1-241508649-A-G. GRCh37 (hg19) VCF-style: chr1-241671949-A-G.
Other names: short protein forms I231T.
Identifiers: ClinVar variation 485566 (VCV000485566.19), dbSNP rs1335587342, ClinGen allele CA345439228.